The following is an entry in ClinVar:

NM_000048.4(ASL):c.451_452dup (p.Asp152fs)

Gene: ASL (argininosuccinate lyase; plus strand). Cytogenetic location: 7q11.21.
Variant type: Duplication.
Coding change: c.451_452dup on transcript NM_000048.4 (MANE Select); coding-DNA positions 451 to 452, 2 bases duplicated (CG; older notation c.451_452dupCG).
Protein change: p.Asp152fs; shifts the reading frame from aspartic acid 152.
Molecular consequence: frameshift variant.
Genome position (GRCh38, 1-based): chr7:66,086,589-66,086,590, CG duplicated. VCF-style (leftmost placement, unchanged base first): chr7-66086588-A-ACG. GRCh37 (hg19) VCF-style: chr7-65551575-A-ACG.
Other names: c.451_452dup, p.Asp152fs (NM_001024943.2, NM_001024944.2, NM_001024946.2); short protein forms D152fs.
Identifiers: ClinVar variation 835209 (VCV000835209.7), dbSNP rs1786667696, ClinGen allele CA916082930.

ClinVar aggregate classification (germline): Pathogenic (1 of 4 stars; one submission).

Conditions:
Argininosuccinate lyase deficiency. Also called: ARGININOSUCCINIC ACID LYASE DEFICIENCY; ASL DEFICIENCY; Argininosuccinic aciduria. Identifiers: Orphanet 23, MedGen C0268547, MONDO:0008815, OMIM 207900, HP:0025630.

Submission:

Labcorp Genetics (formerly Invitae), Labcorp
Classification: Pathogenic for Argininosuccinate lyase deficiency. Last evaluated: 2019-02-22. Review status: criteria provided, single submitter. Criteria: Invitae Variant Classification Sherloc (09022015). Collection method: clinical testing. Allele origin: germline.
Comment: For these reasons, this variant has been classified as Pathogenic. Loss-of-function variants in ASL are known to be pathogenic (PMID: 2263616, 24166829). This variant has not been reported in the literature in individuals with ASL-related conditions. This variant is not present in population databases (ExAC no frequency). This sequence change creates a premature translational stop signal (p.Asp152Valfs*24) in the ASL gene. It is expected to result in an absent or disrupted protein product.

Literature cited by the submitters: PubMed 2263616; PubMed 24166829.